The following is an entry in ClinVar:

NM_001321120.2(TBX4):c.1114C>G (p.Pro372Ala)

Gene: TBX4 (T-box transcription factor 4; plus strand). Cytogenetic location: 17q23.2.
Variant type: single nucleotide variant.
Coding change: c.1114C>G on transcript NM_001321120.2 (MANE Select); coding-DNA position 1114, C replaced by G.
Protein change: p.Pro372Ala; replaces proline 372 with alanine.
Molecular consequence: missense variant.
Genome position (GRCh38, 1-based): chr17:61,482,989, C>G. VCF-style: chr17-61482989-C-G. GRCh37 (hg19) VCF-style: chr17-59560350-C-G.
Other names: c.1111C>G, p.Pro371Ala (NM_018488.3); short protein forms P372A, P371A.
Identifiers: ClinVar variation 2176383 (VCV002176383.5), dbSNP rs199727670, ClinGen allele CA8690031.

ClinVar aggregate classification (germline): Uncertain significance. Review status: criteria provided, multiple submitters, no conflicts (2 of 4 stars). 2 submissions from 2 submitters: Uncertain significance (2). Last evaluated 2026-08-24.

Conditions:
TBX4-related disorder. Also called: TBX4-related disorders; TBX4-related condition.

Allele frequency attached by ClinVar (database versions not stated): 1000 Genomes Project 0.00020; 1000 Genomes Project 30x 0.00031.
gnomAD v4.1: 45 of 1,614,086 alleles (0.0028%); highest among the groups gnomAD compares: East Asian, 0.018%; no homozygotes.

Submissions (2):

PreventionGenetics, part of Exact Sciences
Classification: Uncertain significance for TBX4-related condition. Last evaluated: 2026-08-24. Review status: criteria provided, single submitter. Criteria: ACMG Guidelines, 2015. Collection method: clinical testing. Allele origin: germline.
Comment: The TBX4 c.1111C>G variant is predicted to result in the amino acid substitution p.Pro371Ala. To our knowledge, this variant has not been reported in the literature. This variant is reported in 0.020% of alleles in individuals of East Asian descent in gnomAD. At this time, the clinical significance of this variant is uncertain due to the absence of conclusive functional and genetic evidence.

Labcorp Genetics (formerly Invitae), Labcorp
Classification: Uncertain significance. Last evaluated: 2025-08-10. Review status: criteria provided, single submitter. Criteria: Invitae Variant Classification Sherloc (09022015). Collection method: clinical testing. Allele origin: germline.
Comment: This sequence change replaces proline, which is neutral and non-polar, with alanine, which is neutral and non-polar, at codon 371 of the TBX4 protein (p.Pro371Ala). This variant is present in population databases (rs199727670, gnomAD 0.02%). This variant has not been reported in the literature in individuals affected with TBX4-related conditions. ClinVar contains an entry for this variant (Variation ID: 2176383). Invitae Evidence Modeling of protein sequence and biophysical properties (such as structural, functional, and spatial information, amino acid conservation, physicochemical variation, residue mobility, and thermodynamic stability) indicates that this missense variant is not expected to disrupt TBX4 protein function with a negative predictive value of 95%. In summary, the available evidence is currently insufficient to determine the role of this variant in disease. Therefore, it has been classified as a Variant of Uncertain Significance.